The following is an entry in ClinVar:

NM_024757.5(EHMT1):c.1501+1del

Gene: EHMT1 (euchromatic histone lysine methyltransferase 1; plus strand). Cytogenetic location: 9q34.3.
Variant type: Deletion.
Coding change: c.1501+1del on transcript NM_024757.5 (MANE Select); the canonical splice donor site of the intron after coding-DNA position 1501, one base deleted (G; older notation c.1501+1delG).
Molecular consequence: splice donor variant.
Genome position (GRCh38, 1-based): chr9:137,758,012, G deleted; the last of 2 consecutive G bases (chr9:137,758,011-137,758,012); deleting either gives the same sequence. VCF-style (leftmost placement, unchanged base first): chr9-137758010-AG-A. GRCh37 (hg19) VCF-style: chr9-140652462-AG-A.
Other names: c.1480+1del (NM_001354263.2); c.1408+1del (NM_001354259.2, NM_001354612.2); c.1501+1del (NM_001145527.2, NM_001354611.2).
Identifiers: ClinVar variation 1285594 (VCV001285594.1), dbSNP rs2136274853, ClinGen allele CA2499219807.
Genomic context (GRCh38, chr9:137,758,010, plus strand): 5'-GGAAGTTTCTCTGGACTCCCTGGATCTCCGAGTCAAAGGAATTCTGTCTTCACAAGCAGA[AG>A]GTGAATGTGGTGGTGTAACTTAGACCGGGCACCATCTTGGTCCTTTGTCTTCTGGGCTCC-3'

ClinVar aggregate classification (germline): Pathogenic (1 of 4 stars; one submission).

Conditions:
Kleefstra syndrome 1 (KLEFS1). Identifiers: Orphanet 261494, MedGen C0795833, MONDO:0027407, OMIM 610253.

Submission:

Institute of Human Genetics, University of Leipzig Medical Center
Classification: Pathogenic for Kleefstra syndrome 1. Last evaluated: 2020-09-24. Review status: criteria provided, single submitter. Criteria: ACMG Guidelines, 2015. Collection method: clinical testing. Allele origin: de novo. Affected: yes.
Comment: This variant was identified as de novo (maternity and paternity confirmed).